The following is an entry in ClinVar:

ClinVar aggregate classification (germline): Uncertain significance. Review status: criteria provided, multiple submitters, no conflicts (2 of 4 stars). 2 submissions from 2 submitters: Uncertain significance (2). Last evaluated 2025-07-09.

Conditions:
Hereditary cancer-predisposing syndrome. Also called: Neoplastic Syndromes, Hereditary; Tumor predisposition; Hereditary Cancer Syndrome; Hereditary neoplastic syndrome. Identifiers: Orphanet 140162, MedGen C0027672, MeSH D009386, MONDO:0015356.
Cardiovascular phenotype. Identifiers: MedGen CN230736.

gnomAD v4.1: 2 of 1,613,598 alleles (0.00012%); highest among the groups gnomAD compares: Non-Finnish European, 0.00017%; no homozygotes.

Submissions (2):

Labcorp Genetics (formerly Invitae), Labcorp
Classification: Uncertain significance. Last evaluated: 2025-07-09. Review status: criteria provided, single submitter. Criteria: Invitae Variant Classification Sherloc (09022015). Collection method: clinical testing. Allele origin: germline.
Comment: This sequence change replaces methionine, which is neutral and non-polar, with lysine, which is basic and polar, at codon 655 of the LZTR1 protein (p.Met655Lys). This variant is present in population databases (no rsID available, gnomAD 0.0009%). This missense change has been observed in individual(s) with schwannomatosis (PMID: 29409008). ClinVar contains an entry for this variant (Variation ID: 1783497). Invitae Evidence Modeling of protein sequence and biophysical properties (such as structural, functional, and spatial information, amino acid conservation, physicochemical variation, residue mobility, and thermodynamic stability) indicates that this missense variant is not expected to disrupt LZTR1 protein function with a negative predictive value of 80%. In summary, the available evidence is currently insufficient to determine the role of this variant in disease. Therefore, it has been classified as a Variant of Uncertain Significance.

Ambry Genetics
Classification: Uncertain significance for Cardiovascular phenotype; Hereditary cancer-predisposing syndrome. Last evaluated: 2022-04-29. Review status: criteria provided, single submitter. Criteria: Ambry Variant Classification Scheme 2023. Collection method: clinical testing. Allele origin: germline.
Comment: The p.M655K variant (also known as c.1964T>A), located in coding exon 17 of the LZTR1 gene, results from a T to A substitution at nucleotide position 1964. The methionine at codon 655 is replaced by lysine, an amino acid with similar properties. This alteration has been observed in an individual with schwannomatosis (Louvrier C et al. Neuro Oncol, 2018 06;20:917-929). This amino acid position is highly conserved in available vertebrate species. In addition, this alteration is predicted to be deleterious by in silico analysis. Since supporting evidence is limited at this time, the clinical significance of this alteration remains unclear.

Literature cited by the submitters: PubMed 29409008 (cited by Labcorp Genetics (formerly Invitae), Labcorp).

NM_006767.4(LZTR1):c.1964T>A (p.Met655Lys)

Gene: LZTR1 (leucine zipper like post translational regulator 1; plus strand). Cytogenetic location: 22q11.21.
Variant type: single nucleotide variant.
Coding change: c.1964T>A on transcript NM_006767.4 (MANE Select); coding-DNA position 1964, T replaced by A.
Protein change: p.Met655Lys; replaces methionine 655 with lysine.
Molecular consequence: missense variant.
Genome position (GRCh38, 1-based): chr22:20,995,767, T>A. VCF-style: chr22-20995767-T-A. GRCh37 (hg19) VCF-style: chr22-21350056-T-A.
Other names: short protein forms M655K.
Identifiers: ClinVar variation 1783497 (VCV001783497.7), dbSNP rs199696566, ClinGen allele CA410778967.
Genomic context (GRCh38, chr22:20,995,767, plus strand): 5'-TCCCAGGCTGTACCTGCTCAGGGACCCTCCTACCCCCAGGCACATCTCTGATCCAGGACA[T>A]GAAGGCATACCTGGAGGGAGCGGGCGCGGAATTCTGTGACATCACTCTGTTGCTTGACGG-3'
Protein context (NP_006758.2, residues 645-665): VDIGTSLIQD[Met655Lys]KAYLEGAGAE